The following is an entry in ClinVar:

NM_182961.4(SYNE1):c.5780A>G (p.Asp1927Gly)

Gene: SYNE1 (spectrin repeat containing nuclear envelope protein 1; minus strand). Cytogenetic location: 6q25.2.
Variant type: single nucleotide variant.
Coding change: c.5780A>G on transcript NM_182961.4 (MANE Select); coding-DNA position 5780, A replaced by G.
Protein change: p.Asp1927Gly; replaces aspartic acid 1927 with glycine.
Molecular consequence: missense variant.
Genome position (GRCh38, 1-based): chr6:152,416,657, T>C on the plus strand (A>G on the coding strand, the complement: SYNE1 is on the minus strand). VCF-style: chr6-152416657-T-C. GRCh37 (hg19) VCF-style: chr6-152737792-T-C.
Other names: c.5801A>G, p.Asp1934Gly (NM_033071.5); short protein forms D1927G, D1934G.
Identifiers: ClinVar variation 538413 (VCV000538413.7), dbSNP rs144732736, ClinGen allele CA150207661.

ClinVar aggregate classification (germline): Uncertain significance. Review status: criteria provided, single submitter (1 of 4 stars). 2 submissions from 2 submitters: Uncertain significance (1). 1 of the submissions does not count toward it. Last evaluated 2021-08-31.

Conditions:
SYNE1-related disorder. Also called: SYNE1-related disorders; SYNE1-related disease; SYNE1-related condition.
Autosomal recessive ataxia, Beauce type. Also called: SYNE1-Related Autosomal Recessive Cerebellar Ataxia; Spinocerebellar ataxia, autosomal recessive 8; ATAXIA, RECESSIVE, OF BEAUCE; SYNE1 Deficiency. Identifiers: Orphanet 88644, MedGen C1853116, MONDO:0012549, OMIM 610743.
Emery-Dreifuss muscular dystrophy 4, autosomal dominant (EDMD4). Also called: EMERY-DREIFUSS MUSCULAR DYSTROPHY 4 WITH VARIABLE FEATURES. Identifiers: Orphanet 261, MedGen C2751807, MONDO:0013071, OMIM 612998.

Allele frequency attached by ClinVar (database versions not stated): gnomAD exomes below 0.00001; gnomAD 0.00002; TOPMed 0.00002; ESP Exome Variant Server 0.00008.
gnomAD v4.1: 9 of 1,614,104 alleles (0.00056%); highest among the groups gnomAD compares: Non-Finnish European, 0.00076%; no homozygotes.

Submissions (2):

Labcorp Genetics (formerly Invitae), Labcorp
Classification: Uncertain significance for Emery-Dreifuss muscular dystrophy 4, autosomal dominant; Autosomal recessive ataxia, Beauce type. Last evaluated: 2021-08-31. Review status: criteria provided, single submitter. Criteria: Invitae Variant Classification Sherloc (09022015). Collection method: clinical testing. Allele origin: germline.

PreventionGenetics, part of Exact Sciences
Classification: Uncertain significance for SYNE1-related condition. Last evaluated: 2024-03-13. Review status: no assertion criteria provided. Collection method: clinical testing. Allele origin: germline. Not counted in ClinVar's aggregate classification.
Comment: The SYNE1 c.5801A>G variant is predicted to result in the amino acid substitution p.Asp1934Gly. To our knowledge, this variant has not been reported in the literature. This variant is reported in 0.00078% of alleles in individuals of European (Non-Finnish) descent in gnomAD. At this time, the clinical significance of this variant is uncertain due to the absence of conclusive functional and genetic evidence.